The following is an entry in ClinVar:

ClinVar aggregate classification (germline): Pathogenic (1 of 4 stars; one submission).

Submission:

CeGaT Center for Human Genetics Tuebingen
Classification: Pathogenic. Last evaluated: 2025-03-01. Review status: criteria provided, single submitter. Criteria: CeGaT Center For Human Genetics Tuebingen Variant Classification Criteria Version 2. Collection method: clinical testing. Allele origin: germline. Affected: yes. Observed: 1 variant allele.
Comment: UVSSA: PVS1, PM2, PM3:Supporting

NM_020894.4(UVSSA):c.430-1G>C

Gene: UVSSA (UV stimulated scaffold protein A; plus strand). Cytogenetic location: 4p16.3.
Variant type: single nucleotide variant.
Coding change: c.430-1G>C on transcript NM_020894.4 (MANE Select); the canonical splice acceptor site of the intron before coding-DNA position 430, G replaced by C.
Molecular consequence: splice acceptor variant.
Genome position (GRCh38, 1-based): chr4:1,351,714, G>C. VCF-style: chr4-1351714-G-C. GRCh37 (hg19) VCF-style: chr4-1345502-G-C.
Other names: c.430-1G>C (NM_001317935.2, NM_001317934.2).
Identifiers: ClinVar variation 3778561 (VCV003778561.7).